The following is an entry in ClinVar:

ClinVar aggregate classification (germline): Uncertain significance. Review status: criteria provided, multiple submitters, no conflicts (2 of 4 stars). 3 submissions from 3 submitters: Uncertain significance (3). Last evaluated 2025-12-01.

Conditions:
Kabuki syndrome. Also called: NIIKAWA-KUROKI SYNDROME; Kabuki make-up syndrome. Identifiers: Orphanet 2322, MedGen C0796004, MONDO:0016512.

gnomAD v4.1: 10 of 1,588,178 alleles (0.00063%); highest among the groups gnomAD compares: Admixed American, 0.0053%; no homozygotes.

Submissions (3):

CeGaT Center for Human Genetics Tuebingen
Classification: Uncertain significance. Last evaluated: 2025-12-01. Review status: criteria provided, single submitter. Criteria: CeGaT Center For Human Genetics Tuebingen Variant Classification Criteria Version 2. Collection method: clinical testing. Allele origin: germline. Affected: yes. Observed: 1 variant allele.

Labcorp Genetics (formerly Invitae), Labcorp
Classification: Uncertain significance for Kabuki syndrome. Last evaluated: 2025-04-22. Review status: criteria provided, single submitter. Criteria: Invitae Variant Classification Sherloc (09022015). Collection method: clinical testing. Allele origin: germline.
Comment: This sequence change falls in intron 5 of the KMT2D gene. It does not directly change the encoded amino acid sequence of the KMT2D protein. The frequency data for this variant in the population databases is considered unreliable, as metrics indicate poor data quality at this position in the gnomAD database. This variant has not been reported in the literature in individuals affected with KMT2D-related conditions. ClinVar contains an entry for this variant (Variation ID: 3336441). Algorithms developed to predict the effect of sequence changes on RNA splicing suggest that this variant may disrupt the consensus splice site. In summary, the available evidence is currently insufficient to determine the role of this variant in disease. Therefore, it has been classified as a Variant of Uncertain Significance.

Women's Health and Genetics/Laboratory Corporation of America, LabCorp
Classification: Uncertain significance. Last evaluated: 2024-05-22. Review status: criteria provided, single submitter. Criteria: LabCorp Variant Classification Summary - May 2015. Collection method: clinical testing. Allele origin: germline.
Comment: Variant summary: KMT2D c.674-7C>G alters a non-conserved nucleotide located close to a canonical splice site and therefore could affect mRNA splicing, leading to a significantly altered protein sequence. Several computational tools predict a significant impact on normal splicing: One predict the variant no significant impact on splicing. Three predict the variant weakens a 3' acceptor site. However, these predictions have yet to be confirmed by functional studies. The variant allele was found at a frequency of 4.8e-06 in 206274 control chromosomes (gnomAD v2.1). The available data on variant occurrences in the general population are insufficient to allow any conclusion about variant significance. To our knowledge, no occurrence of c.674-7C>G in individuals affected with Kabuki Syndrome 1 and no experimental evidence demonstrating its impact on protein function have been reported. No submitters have cited clinical-significance assessments for this variant to ClinVar. Based on the evidence outlined above, the variant was classified as uncertain significance.

NM_003482.4(KMT2D):c.674-7C>G

Gene: KMT2D (lysine methyltransferase 2D; minus strand). Cytogenetic location: 12q13.12.
Variant type: single nucleotide variant.
Coding change: c.674-7C>G on transcript NM_003482.4 (MANE Select); 7 bases into the intron before coding-DNA position 674, C replaced by G.
Molecular consequence: intron variant.
Genome position (GRCh38, 1-based): chr12:49,053,648, G>C on the plus strand (C>G on the coding strand, the complement: KMT2D is on the minus strand). VCF-style: chr12-49053648-G-C. GRCh37 (hg19) VCF-style: chr12-49447431-G-C.
Identifiers: ClinVar variation 3336441 (VCV003336441.8).